The following is an entry in ClinVar:

ClinVar aggregate classification (germline): Uncertain significance. Review status: criteria provided, multiple submitters, no conflicts (2 of 4 stars). 3 submissions from 3 submitters: Uncertain significance (3). Last evaluated 2025-12-01.

Conditions:
Inborn genetic diseases. Identifiers: MedGen C0950123, MeSH D030342.
Developmental and epileptic encephalopathy 94 (DEE94). Also called: CHD2-Related Neurodevelopmental Disorders; Epileptic encephalopathy, childhood-onset. Identifiers: Orphanet 1942, Orphanet 2382, MedGen C3809278, MONDO:0014150, OMIM 615369.

Submissions (3):

Ambry Genetics
Classification: Uncertain significance for Inborn genetic diseases. Last evaluated: 2025-12-01. Review status: criteria provided, single submitter. Criteria: Ambry Variant Classification Scheme 2023. Collection method: clinical testing. Allele origin: germline.
Comment: The c.3472C>T (p.R1158C) alteration is located in exon 28 (coding exon 27) of the CHD2 gene. This alteration results from a C to T substitution at nucleotide position 3472, causing the arginine (R) at amino acid position 1158 to be replaced by a cysteine (C). This variant was not reported in population-based cohorts in the Genome Aggregation Database (gnomAD). This amino acid position is highly conserved in available vertebrate species. This missense alteration is located in a region that has a low rate of benign missense variation (Lek, 2016; Firth, 2009). This alteration is predicted to be deleterious by in silico analysis. Based on insufficient or conflicting evidence, the clinical significance of this alteration remains unclear.

GeneDx
Classification: Uncertain significance. Last evaluated: 2023-11-15. Review status: criteria provided, single submitter. Criteria: GeneDx Variant Classification Process June 2021. Collection method: clinical testing. Allele origin: germline. Affected: yes.
Comment: Not observed at significant frequency in large population cohorts (gnomAD); In silico analysis supports that this missense variant does not alter protein structure/function; Has not been previously published as pathogenic or benign to our knowledge

Labcorp Genetics (formerly Invitae), Labcorp
Classification: Uncertain significance for Developmental and epileptic encephalopathy 94. Last evaluated: 2023-02-18. Review status: criteria provided, single submitter. Criteria: Invitae Variant Classification Sherloc (09022015). Collection method: clinical testing. Allele origin: germline.
Comment: This variant is not present in population databases (gnomAD no frequency). This sequence change replaces arginine, which is basic and polar, with cysteine, which is neutral and slightly polar, at codon 1158 of the CHD2 protein (p.Arg1158Cys). In summary, the available evidence is currently insufficient to determine the role of this variant in disease. Therefore, it has been classified as a Variant of Uncertain Significance. Advanced modeling of protein sequence and biophysical properties (such as structural, functional, and spatial information, amino acid conservation, physicochemical variation, residue mobility, and thermodynamic stability) performed at Invitae indicates that this missense variant is not expected to disrupt CHD2 protein function. This variant has not been reported in the literature in individuals affected with CHD2-related conditions.

NM_001271.4(CHD2):c.3472C>T (p.Arg1158Cys)

Gene: CHD2 (chromodomain helicase DNA binding protein 2; plus strand). Cytogenetic location: 15q26.1.
Variant type: single nucleotide variant.
Coding change: c.3472C>T on transcript NM_001271.4 (MANE Select); coding-DNA position 3472, C replaced by T.
Protein change: p.Arg1158Cys; replaces arginine 1158 with cysteine.
Molecular consequence: missense variant.
Genome position (GRCh38, 1-based): chr15:92,992,875, C>T. VCF-style: chr15-92992875-C-T. GRCh37 (hg19) VCF-style: chr15-93536105-C-T.
Other names: c.3472C>T (NM_001271.3); short protein forms R1158C.
Identifiers: ClinVar variation 2838957 (VCV002838957.5), dbSNP rs2505580479, ClinGen allele CA393896553.